The following is an entry in ClinVar:

NM_022436.3(ABCG5):c.1222C>T (p.Arg408Ter)

Genes: ABCG5 (ATP binding cassette subfamily G member 5; minus strand), DYNC2LI1 (dynein cytoplasmic 2 light intermediate chain 1; plus strand). Cytogenetic location: 2p21.
Variant type: single nucleotide variant.
Coding change: c.1222C>T on transcript NM_022436.3 (MANE Select); coding-DNA position 1222, C replaced by T.
Protein change: p.Arg408Ter; replaces arginine 408 with a stop codon.
Molecular consequence: nonsense. On other transcripts: intron variant (2).
Genome position (GRCh38, 1-based): chr2:43,824,015, G>A on the plus strand (C>T on the coding strand, the complement: ABCG5 is on the minus strand). VCF-style: chr2-43824015-G-A. GRCh37 (hg19) VCF-style: chr2-44051154-G-A.
Other names: c.*16-3371G>A (NM_001348913.2, NM_001348912.2); short protein forms R408*.
Identifiers: ClinVar variation 4976 (VCV000004976.13), dbSNP rs119479065, ClinGen allele CA253370.
Genomic context (GRCh38, chr2:43,824,015, plus strand): 5'-CCACAAACTGGTAAAGGAGACCTACGCGGTCCTGGATAGCACCCTTTAGCACATTGCTTC[G>A]GACCCGCAGAACGAAGAAAAGGAGGAACAAACCCATGATCAGATTCTGAAGGAGACGCGT-3'

ClinVar aggregate classification (germline): Pathogenic/Likely pathogenic. Review status: criteria provided, multiple submitters, no conflicts (2 of 4 stars). 8 submissions from 8 submitters: Pathogenic (2); Likely pathogenic (2). 4 of the submissions do not count toward it. Last evaluated 2026-01-22.

Conditions:
ABCG5-related disorder. Also called: ABCG5-related condition.
Sitosterolemia 2. Identifiers: MedGen C5231453, MONDO:0020748, OMIM 618666.
Sitosterolemia (STSL). Also called: PHYTOSTEROLEMIA. Identifiers: Orphanet 2882, MedGen C0342907, MONDO:0008863.

Allele frequency attached by ClinVar (database versions not stated): TOPMed below 0.00001; gnomAD exomes 0.00001 and 0.00002; gnomAD 0.00001; ExAC 0.00002.
gnomAD v4.1: 12 of 1,614,038 alleles (0.00074%); highest among the groups gnomAD compares: South Asian, 0.0022%; no homozygotes.

Submissions (8):

Labcorp Genetics (formerly Invitae), Labcorp
Classification: Pathogenic for Sitosterolemia. Last evaluated: 2026-01-22. Review status: criteria provided, single submitter. Criteria: Invitae Variant Classification Sherloc (09022015). Collection method: clinical testing. Allele origin: germline.
Comment: This sequence change creates a premature translational stop signal (p.Arg408*) in the ABCG5 gene. It is expected to result in an absent or disrupted protein product. Loss-of-function variants in ABCG5 are known to be pathogenic (PMID: 11138003, 25665839). This variant is present in population databases (rs119479065, gnomAD 0.01%). This premature translational stop signal has been observed in individual(s) with ABCG5-related conditions (PMID: 11099417). ClinVar contains an entry for this variant (Variation ID: 4976). For these reasons, this variant has been classified as Pathogenic.

PreventionGenetics, part of Exact Sciences
Classification: Likely pathogenic for ABCG5-related condition. Last evaluated: 2025-07-25. Review status: criteria provided, single submitter. Criteria: ACMG Guidelines, 2015. Collection method: clinical testing. Allele origin: germline.
Comment: The ABCG5 c.1222C>T variant is predicted to result in premature protein termination (p.Arg408*). This variant has been reported in individuals with sitosterolemia; however, a second ABCG5 variant was not identified (Berge et al. 2000. PubMed ID: 11099417; Heimerl et al. 2002. PubMed ID: 12124998; Lee et al. 2001. PubMed ID: 11138003). This variant was also reported in the homozygous state in an individual referred for thrombocytopenia (Diallo et al. 2021. doi: 10.1111/bjh. 17518). This variant is reported in 0.0098% of alleles in individuals of South Asian descent in gnomAD and has been consistently classified as pathogenic/likely pathogenic by several submitters to the ClinVar database. Nonsense variants in ABCG5 are expected to be pathogenic. This variant is interpreted as likely pathogenic.

ISTH-SSC Genomics in Thrombosis and Hemostasis, KU Leuven, Center for Molecular and Vascular Biology
Classification: Likely pathogenic for Sitosterolemia 2. Review status: criteria provided, single submitter. Criteria: ACMG Guidelines, 2015. Collection method: clinical testing. Allele origin: unknown. Affected: yes.
Comment: Submitted to GoldVariant by Kathleen Freson, Center for Molecular and Vascular Biology, Leuven, Belgium

Neuberg Centre For Genomic Medicine, NCGM
Classification: Pathogenic for Sitosterolemia 2. Review status: criteria provided, single submitter. Criteria: ACMG Guidelines, 2015. Collection method: clinical testing. Allele origin: germline. Affected: yes.
Comment: The stop gained p.R408* in ABCG5 (NM_022436.3) has been reported previously in affected patients (Lee MH et al). It has been submitted to the Clinvar database as Pathogenic. The p.R408* variant is observed in 3/30,616 (0.0098%) alleles from individuals of South Asian background in gnomAD Exomes and is novel (not in any individuals) in 1000 Genomes. This variant is predicted to cause loss of normal protein function through protein truncation. For these reasons, this variant has been classified as Pathogenic.

Department of Genetics, Suzhou Beikang Medical Laboratory
Classification: Pathogenic for Sitosterolemia 2. Last evaluated: 2024-10-31. Review status: no assertion criteria provided. Collection method: clinical testing. Allele origin: germline. Affected: no. Not counted in ClinVar's aggregate classification.
Comment: For these reasons, this variant has been classified as Pathogenic. This sequence change creates a premature translational stop signal (p.Arg408*) in the ABCG5 gene. It is expected to result in an absent or disrupted protein product. Loss of function is an established mechanism of disease for ABCG5 in autosomal recessive sitosterolaemia (PMID: 11138003, 25665839). ClinVar contains an entry for this variant (Variation ID: 4976). This variant is present in population databases (rs119479065, gnomAD 0.01%). This premature translational stop signal has been observed in individual(s) with Sitosterolemia 2 (PMID:11099417).

OMIM
Classification: Pathogenic for SITOSTEROLEMIA 2. Last evaluated: 2001-01-01. Review status: no assertion criteria provided. Collection method: literature only. Allele origin: germline. Not counted in ClinVar's aggregate classification.

Clinical Genetics DNA and cytogenetics Diagnostics Lab, Erasmus MC, Erasmus Medical Center
Classification: Pathogenic. Review status: no assertion criteria provided. Collection method: clinical testing. Allele origin: germline. Affected: yes. Study: VKGL Data-share Consensus. Not counted in ClinVar's aggregate classification.

Clinical Genetics, Academic Medical Center
Classification: Pathogenic. Review status: no assertion criteria provided. Collection method: clinical testing. Allele origin: germline. Affected: yes. Study: VKGL Data-share Consensus. Not counted in ClinVar's aggregate classification.

Literature cited by the submitters: PubMed 11138003 (cited by Labcorp Genetics (formerly Invitae), Labcorp and OMIM); PubMed 25665839 (cited by Labcorp Genetics (formerly Invitae), Labcorp); PubMed 11099417 (cited by Labcorp Genetics (formerly Invitae), Labcorp and OMIM); PubMed 34355501 (cited by ISTH-SSC Genomics in Thrombosis and Hemostasis, KU Leuven, Center for Molecular and Vascular Biology).